The following is an entry in ClinVar:

ClinVar aggregate classification (germline): Conflicting classifications of pathogenicity. Review status: criteria provided, conflicting classifications (1 of 4 stars). 3 submissions from 3 submitters: Pathogenic (1); Uncertain significance (1). 1 of the submissions does not count toward it. Last evaluated 2023-06-06.

Conditions:
Severe early-childhood-onset retinal dystrophy (STGD1). Also called: Stargardt macular dystrophy; Juvenile onset macular degeneration; Stargardt disease 1; MACULAR DYSTROPHY WITH FLECKS, TYPE 1; STGD. Identifiers: Orphanet 364055, Orphanet 827, MedGen C1855465, MeSH D000080362, MONDO:0009549, OMIM 248200.

Allele frequency attached by ClinVar (database versions not stated): gnomAD exomes below 0.00001.

Submissions (3):

Labcorp Genetics (formerly Invitae), Labcorp
Classification: Pathogenic. Last evaluated: 2023-06-06. Review status: criteria provided, single submitter. Criteria: Invitae Variant Classification Sherloc (09022015). Collection method: clinical testing. Allele origin: germline.
Comment: ClinVar contains an entry for this variant (Variation ID: 866385). This missense change has been observed in individual(s) with Stargardt disease (PMID: 28559085; Invitae). In at least one individual the data is consistent with being in trans (on the opposite chromosome) from a pathogenic variant. This variant is present in population databases (no rsID available, gnomAD 0.003%). This sequence change replaces methionine, which is neutral and non-polar, with arginine, which is basic and polar, at codon 1984 of the ABCA4 protein (p.Met1984Arg). For these reasons, this variant has been classified as Pathogenic. Advanced modeling of protein sequence and biophysical properties (such as structural, functional, and spatial information, amino acid conservation, physicochemical variation, residue mobility, and thermodynamic stability) performed at Invitae indicates that this missense variant is expected to disrupt ABCA4 protein function.

Blueprint Genetics
Classification: Uncertain significance. Last evaluated: 2020-01-29. Review status: criteria provided, single submitter. Criteria: ACMG Guidelines, 2015. Collection method: clinical testing. Allele origin: germline.

Ophthalmo-Genetics Lab, Instituto de Oftalmologia Conde de Valenciana
Classification: Pathogenic for Severe early-childhood-onset retinal dystrophy. Review status: no assertion criteria provided. Collection method: research. Allele origin: germline. Inheritance: Autosomal recessive inheritance. Affected: yes. Not counted in ClinVar's aggregate classification.

Literature cited by the submitters: PubMed 28559085 (cited by Labcorp Genetics (formerly Invitae), Labcorp and Ophthalmo-Genetics Lab, Instituto de Oftalmologia Conde de Valenciana).

NM_000350.3(ABCA4):c.5951T>G (p.Met1984Arg)

Gene: ABCA4 (ATP binding cassette subfamily A member 4; minus strand). Cytogenetic location: 1p22.1.
Variant type: single nucleotide variant.
Coding change: c.5951T>G on transcript NM_000350.3 (MANE Select); coding-DNA position 5951, T replaced by G.
Protein change: p.Met1984Arg; replaces methionine 1984 with arginine.
Molecular consequence: missense variant.
Genome position (GRCh38, 1-based): chr1:94,007,688, A>C on the plus strand (T>G on the coding strand, the complement: ABCA4 is on the minus strand). VCF-style: chr1-94007688-A-C. GRCh37 (hg19) VCF-style: chr1-94473244-A-C.
Other names: c.5729T>G, p.Met1910Arg (NM_001425324.1); short protein forms M1984R, M1910R.
Identifiers: ClinVar variation 866385 (VCV000866385.11), dbSNP rs1259778135, ClinGen allele CA341279552.